The following is an entry in ClinVar:

NM_000051.4(ATM):c.5585T>A (p.Leu1862His)

Gene: ATM (ATM serine/threonine kinase; plus strand). Cytogenetic location: 11q22.3.
Variant type: single nucleotide variant.
Coding change: c.5585T>A on transcript NM_000051.4 (MANE Select); coding-DNA position 5585, T replaced by A.
Protein change: p.Leu1862His; replaces leucine 1862 with histidine.
Molecular consequence: missense variant.
Genome position (GRCh38, 1-based): chr11:108,304,763, T>A. VCF-style: chr11-108304763-T-A. GRCh37 (hg19) VCF-style: chr11-108175490-T-A.
Other names: c.5585T>A, p.Leu1862His (NM_001351834.2); short protein forms L1862H.
Identifiers: ClinVar variation 481222 (VCV000481222.21), dbSNP rs1555107424, ClinGen allele CA382546156.

ClinVar aggregate classification (germline): Uncertain significance. Review status: criteria provided, multiple submitters, no conflicts (2 of 4 stars). 5 submissions from 5 submitters: Uncertain significance (5). Last evaluated 2026-01-27.

Conditions:
Ataxia-telangiectasia syndrome (AT). Also called: Ataxia-telangiectasia; LOUIS-BAR SYNDROME; Ataxia telangiectasia (A-T); Cerebello-oculocutaneous telangiectasia; Immunodeficiency with ataxia telangiectasia; Ataxia-telangiectasia, complementation group D. Identifiers: Orphanet 100, MedGen C0004135, MONDO:0008840, OMIM 208900.
Hereditary cancer-predisposing syndrome. Also called: Neoplastic Syndromes, Hereditary; Tumor predisposition; Hereditary neoplastic syndrome; Hereditary Cancer Syndrome. Identifiers: Orphanet 140162, MedGen C0027672, MeSH D009386, MONDO:0015356.

Submissions (5):

Labcorp Genetics (formerly Invitae), Labcorp
Classification: Uncertain significance for Ataxia-telangiectasia syndrome. Last evaluated: 2026-01-27. Review status: criteria provided, single submitter. Criteria: Invitae Variant Classification Sherloc (09022015). Collection method: clinical testing. Allele origin: germline.
Comment: This sequence change replaces leucine, which is neutral and non-polar, with histidine, which is basic and polar, at codon 1862 of the ATM protein (p.Leu1862His). This variant is not present in population databases (gnomAD no frequency). This missense change has been observed in individual(s) with atypical ataxia-telangiectasia (PMID: 28123174). ClinVar contains an entry for this variant (Variation ID: 481222). Invitae Evidence Modeling of protein sequence and biophysical properties (such as structural, functional, and spatial information, amino acid conservation, physicochemical variation, residue mobility, and thermodynamic stability) indicates that this missense variant is expected to disrupt ATM protein function with a positive predictive value of 80%. Experimental studies have shown that this missense change affects ATM function (PMID: 28123174). In summary, the available evidence is currently insufficient to determine the role of this variant in disease. Therefore, it has been classified as a Variant of Uncertain Significance.

GeneDx
Classification: Uncertain significance. Last evaluated: 2025-06-06. Review status: criteria provided, single submitter. Criteria: GeneDx Variant Classification Process June 2021. Collection method: clinical testing. Allele origin: germline.
Comment: Published functional studies suggest a damaging effect: decreased ATM protein expression and abolished ATM kinase activity (PMID: 28123174); In silico analysis supports that this missense variant has a deleterious effect on protein structure/function; Not observed at significant frequency in large population cohorts (gnomAD); This variant is associated with the following publications: (PMID: 29522266, 28123174)

Women's Health and Genetics/Laboratory Corporation of America, LabCorp
Classification: Uncertain significance. Last evaluated: 2024-12-10. Review status: criteria provided, single submitter. Criteria: LabCorp Variant Classification Summary - May 2015. Collection method: clinical testing. Allele origin: germline.
Comment: Variant summary: ATM c.5585T>A (p.Leu1862His) results in a non-conservative amino acid change in the encoded protein sequence. Five of five in-silico tools predict a damaging effect of the variant on protein function. The variant was absent in 250984 control chromosomes (gnomAD). c.5585T>A has been reported in the literature in a homozygous individual affected with atypical Ataxia-Telangiectasia. These data indicate that the variant may be associated with disease. The patient cells showed <5% of wild type ATM protein expression and a complete loss of ATM kinase activity. The following publication has been ascertained in the context of this evaluation (PMID: 28123174). ClinVar contains an entry for this variant (Variation ID: 481222). Based on the evidence outlined above, the variant was classified as VUS-possibly pathogenic.

Ambry Genetics
Classification: Uncertain significance for Hereditary cancer-predisposing syndrome. Last evaluated: 2024-09-18. Review status: criteria provided, single submitter. Criteria: Ambry Variant Classification Scheme 2023. Collection method: clinical testing. Allele origin: germline.
Comment: The p.L1862H variant (also known as c.5585T>A), located in coding exon 36 of the ATM gene, results from a T to A substitution at nucleotide position 5585. The leucine at codon 1862 is replaced by histidine, an amino acid with similar properties. This variant was also detected in 1/5589 German BRCA1/2-negative probands with breast cancer (Hauke J et al. Cancer Med, 2018 Apr;7:1349-1358). This amino acid position is highly conserved in available vertebrate species. In addition, this alteration is predicted to be deleterious by in silico analysis. Based on the available evidence, the clinical significance of this variant remains unclear.

Color Diagnostics, LLC DBA Color Health
Classification: Uncertain significance for Hereditary cancer-predisposing syndrome. Last evaluated: 2020-09-25. Review status: criteria provided, single submitter. Criteria: ACMG Guidelines, 2015. Collection method: clinical testing. Allele origin: germline.
Comment: This missense variant replaces leucine with histidine at codon 1862 of the ATM protein. Computational prediction suggests that this variant may have deleterious impact on protein structure and function (internally defined REVEL score threshold >= 0.7, PMID: 27666373). To our knowledge, functional studies have not been reported for this variant. This variant has been reported in homozygous state in an individual affected with a mild form of ataxia telangiectasia and T-cell acute lymphoblastic leukemia (PMID: 28123174). A lymphoblastic cell line derived this proband showed reduced ATM protein expression and lack of kinase activity toward one target protein tested (PMID: 28123174). This variant has not been identified in the general population by the Genome Aggregation Database (gnomAD). The available evidence is insufficient to determine the role of this variant in disease conclusively. Therefore, this variant is classified as a Variant of Uncertain Significance.

Literature cited by the submitters: PubMed 28123174 (cited by 3 submitters); PubMed 29522266 (cited by Ambry Genetics).